The following is an entry in ClinVar:

NM_006734.4(HIVEP2):c.5614dup (p.Glu1872fs)

Gene: HIVEP2 (HIVEP zinc finger 2; minus strand). Cytogenetic location: 6q24.2.
Variant type: Duplication.
Coding change: c.5614dup on transcript NM_006734.4 (MANE Select); coding-DNA position 5614, one base duplicated (G; older notation c.5614dupG).
Protein change: p.Glu1872fs; shifts the reading frame from glutamic acid 1872.
Molecular consequence: frameshift variant.
Genome position (GRCh38, 1-based): chr6:142,761,470, C duplicated on the plus strand (G on the coding strand, the reverse complement: HIVEP2 is on the minus strand); the first of 2 consecutive C bases (chr6:142,761,470-142,761,471); duplicating either gives the same sequence. VCF-style (leftmost placement, unchanged base first): chr6-142761469-T-TC. GRCh37 (hg19) VCF-style: chr6-143082606-T-TC.
Other names: short protein forms E1872fs.
Identifiers: ClinVar variation 224795 (VCV000224795.4), dbSNP rs869312844, ClinGen allele CA358391.
Genomic context (GRCh38, chr6:142,761,469, plus strand): 5'-AGAGCTCCACTGTGCATAATGAAGAGGTCTGTCAACTCATTTATGACATACACACCTGCT[T>TC]CCTCAGTTTCTGTATCATCCACCGATGTCATTGAGACTCCCAATTCCAGGCATTTTTTCA-3'

ClinVar aggregate classification (germline): Pathogenic. Review status: criteria provided, single submitter (1 of 4 stars). 2 submissions from 2 submitters: Pathogenic (1). 1 of the submissions does not count toward it. Last evaluated 2016-03-17.

Conditions:
Intellectual developmental disorder, autosomal dominant 43. Also called: Intellectual disability, autosomal dominant 43. Identifiers: MedGen C4707429, MONDO:0014858, OMIM 616977.

Submissions (2):

GeneDx
Classification: Pathogenic. Last evaluated: 2016-03-17. Review status: criteria provided, single submitter. Criteria: GeneDx Variant Classification (06012015). Collection method: clinical testing. Allele origin: germline. Affected: yes.
Comment: The c.5614dupG variant causes a frameshift starting with codon Glutamic Acid 1872, changes this amino acid to a Glycine residue, and creates a premature Stop codon at position 16 of the new reading frame, denoted p.Glu1872GlyfsX16. This variant is predicted to cause loss of normal protein function either through protein truncation or nonsense-mediated mRNA decay. The c.5614dupG variant was not observed in approximately 6,000 individuals of European and African American ancestry in the NHLBI Exome Sequencing Project, indicating it is not a common benign variant in these populations. We interpret c.5614dupG as a pathogenic variant.

OMIM
Classification: Pathogenic for INTELLECTUAL DEVELOPMENTAL DISORDER, AUTOSOMAL DOMINANT 43. Last evaluated: 2022-04-20. Review status: no assertion criteria provided. Collection method: literature only. Allele origin: germline. Not counted in ClinVar's aggregate classification.

Literature cited by the submitters: PubMed 27003583 (cited by OMIM).